The following is an entry in ClinVar:

ClinVar aggregate classification (germline): Uncertain significance. Review status: criteria provided, single submitter (1 of 4 stars). 2 submissions from 2 submitters: Uncertain significance (1). 1 of the submissions does not count toward it. Last evaluated 2025-08-02.

Conditions:
FILIP1L-related disorder. Also called: FILIP1L-related condition.

Allele frequency attached by ClinVar (database versions not stated): gnomAD exomes 0.00020; ExAC 0.00072; 1000 Genomes Project 0.00160; 1000 Genomes Project 30x 0.00172; gnomAD 0.00198; TOPMed 0.00227; ESP Exome Variant Server 0.00272.
gnomAD v4.1: 611 of 1,614,168 alleles (0.038%); highest among the groups gnomAD compares: African/African-American, 0.72%; 2 homozygotes.

Submissions (2):

Ambry Genetics
Classification: Uncertain significance. Last evaluated: 2025-08-02. Review status: criteria provided, single submitter. Criteria: Ambry Variant Classification Scheme 2023. Collection method: clinical testing. Allele origin: germline.

PreventionGenetics, part of Exact Sciences
Classification: Benign for FILIP1L-related condition. Last evaluated: 2020-01-02. Review status: no assertion criteria provided. Collection method: clinical testing. Allele origin: germline. Not counted in ClinVar's aggregate classification.
Comment: This variant is classified as benign based on ACMG/AMP sequence variant interpretation guidelines (Richards et al. 2015 PMID: 25741868, with internal and published modifications).

NM_001387850.1(FILIP1L):c.3245G>A (p.Ser1082Asn)

Genes: FILIP1L (filamin A interacting protein 1 like; minus strand), CMSS1 (cms1 ribosomal small subunit homolog; plus strand), LOC105374010 (uncharacterized LOC105374010; plus strand). Cytogenetic location: 3q12.1.
Variant type: single nucleotide variant.
Coding change: c.3245G>A on transcript NM_001387850.1 (MANE Select); coding-DNA position 3245, G replaced by A.
Protein change: p.Ser1082Asn; replaces serine 1082 with asparagine.
Molecular consequence: missense variant. On other transcripts: intron variant (2).
Genome position (GRCh38, 1-based): chr3:99,848,431, C>T on the plus strand (G>A on the coding strand, the complement: FILIP1L is on the minus strand). VCF-style: chr3-99848431-C-T. GRCh37 (hg19) VCF-style: chr3-99567275-C-T.
Other names: c.3245G>A (NM_182909.2); c.1973G>A, p.Ser658Asn (NM_001282793.2); c.2525G>A, p.Ser842Asn (NM_001282794.2, NM_001370247.1, NM_001387851.1 and 1 more transcripts); c.3245G>A, p.Ser1082Asn (NM_182909.4, NM_001042459.3); c.64+30388C>T (NM_032359.4); c.606-17826G>A (NM_001387852.1); short protein forms S1082N, S658N, S842N.
Identifiers: ClinVar variation 3045603 (VCV003045603.3), dbSNP rs140594225, ClinGen allele CA2513299.
Genomic context (GRCh38, chr3:99,848,431, plus strand): 5'-TTGTTTAGTGCCCCGTTAATTAAGCCTTGAGTTCGGTTATCCTGCAGTGGTGCTGAAGGG[C>T]TGGCAGGTCTCACAGGGCTGGCTACAGCTTGCATGTAAGGACTTCCTAAGTGAATGTGGA-3'
Protein context (NP_001374779.1, residues 1072-1092): QAVASPVRPA[Ser1082Asn]PSAPLQDNRT